The following is an entry in ClinVar:

NM_005609.4(PYGM):c.2216T>A (p.Leu739His)

Gene: PYGM (glycogen phosphorylase, muscle associated; minus strand). Cytogenetic location: 11q13.1.
Variant type: single nucleotide variant.
Coding change: c.2216T>A on transcript NM_005609.4 (MANE Select); coding-DNA position 2216, T replaced by A.
Protein change: p.Leu739His; replaces leucine 739 with histidine.
Molecular consequence: missense variant.
Genome position (GRCh38, 1-based): chr11:64,747,320, A>T on the plus strand (T>A on the coding strand, the complement: PYGM is on the minus strand). VCF-style: chr11-64747320-A-T. GRCh37 (hg19) VCF-style: chr11-64514792-A-T.
Other names: c.1952T>A, p.Leu651His (NM_001164716.1); short protein forms L651H, L739H.
Identifiers: ClinVar variation 4994737 (VCV004994737.1).

ClinVar aggregate classification (germline): Uncertain significance (1 of 4 stars; one submission).

Conditions:
PYGM-related disorder. Also called: PYGM-related condition.

Submission:

PreventionGenetics, part of Exact Sciences
Classification: Uncertain significance for PYGM-related condition. Last evaluated: 2026-04-22. Review status: criteria provided, single submitter. Criteria: ACMG Guidelines, 2015. Collection method: clinical testing. Allele origin: germline.
Comment: The PYGM c.2216T>A variant is predicted to result in the amino acid substitution p.Leu739His. To our knowledge, this variant has not been reported in the literature or in a large population database (gnomAD), indicating this variant is rare. At this time, the clinical significance of this variant is uncertain due to the absence of conclusive functional and genetic evidence.